The following is an entry in ClinVar:

ClinVar aggregate classification (germline): Uncertain significance. Review status: criteria provided, multiple submitters, no conflicts (2 of 4 stars). 2 submissions from 2 submitters: Uncertain significance (2). Last evaluated 2026-07-07.

Conditions:
Cardiovascular phenotype. Identifiers: MedGen CN230736.

gnomAD v4.1: 2 of 1,613,166 alleles (0.00012%); highest among the groups gnomAD compares: East Asian, 0.0022%; no homozygotes.

Submissions (2):

Ambry Genetics
Classification: Uncertain significance for Cardiovascular phenotype. Last evaluated: 2026-07-07. Review status: criteria provided, single submitter. Criteria: Ambry Variant Classification Scheme 2023. Collection method: clinical testing. Allele origin: germline.
Comment: The p.T3266I variant (also known as c.9797C>T), located in coding exon 68 of the RYR2 gene, results from a C to T substitution at nucleotide position 9797. The threonine at codon 3266 is replaced by isoleucine, an amino acid with similar properties. This amino acid position is conserved. In addition, the in silico prediction for this alteration is inconclusive. Based on the available evidence, the clinical significance of this variant remains unclear.

GeneDx
Classification: Uncertain significance. Last evaluated: 2025-08-04. Review status: criteria provided, single submitter. Criteria: GeneDx Variant Classification Process June 2021. Collection method: clinical testing. Allele origin: germline. Affected: yes.
Comment: Not observed at significant frequency in large population cohorts (gnomAD); In silico analysis supports that this missense variant has a deleterious effect on protein structure/function; Has not been previously published as pathogenic or benign to our knowledge; Not located in one of the three hot-spot regions of the RYR2 gene, where the majority of pathogenic missense variants occur (PMID: 19926015); This variant is associated with the following publications: (PMID: 19926015)

NM_001035.3(RYR2):c.9797C>T (p.Thr3266Ile)

Gene: RYR2 (ryanodine receptor 2; plus strand). Cytogenetic location: 1q43.
Variant type: single nucleotide variant.
Coding change: c.9797C>T on transcript NM_001035.3 (MANE Select); coding-DNA position 9797, C replaced by T.
Protein change: p.Thr3266Ile; replaces threonine 3266 with isoleucine.
Molecular consequence: missense variant.
Genome position (GRCh38, 1-based): chr1:237,707,165, C>T. VCF-style: chr1-237707165-C-T. GRCh37 (hg19) VCF-style: chr1-237870465-C-T.
Other names: short protein forms T3266I.
Identifiers: ClinVar variation 4756019 (VCV004756019.2).